The following is an entry in ClinVar:

NM_005228.5(EGFR):c.2466A>C (p.Ala822=)

Genes: EGFR (epidermal growth factor receptor; plus strand), EGFR-AS1 (EGFR antisense RNA 1; minus strand). Cytogenetic location: 7p11.2.
Variant type: single nucleotide variant.
Coding change: c.2466A>C on transcript NM_005228.5 (MANE Select); coding-DNA position 2466, A replaced by C.
Protein change: p.Ala822=; no amino-acid change (alanine 822 retained).
Molecular consequence: synonymous variant. On other transcripts: non-coding transcript variant (1).
Genome position (GRCh38, 1-based): chr7:55,181,475, A>C. VCF-style: chr7-55181475-A-C. GRCh37 (hg19) VCF-style: chr7-55249168-A-C.
Other names: c.2331A>C, p.Ala777= (NM_001346897.2, NM_001346899.2); c.2466A>C, p.Ala822= (NM_001346898.2); c.2307A>C, p.Ala769= (NM_001346900.2); c.1665A>C, p.Ala555= (NM_001346941.2).
Identifiers: ClinVar variation 3773389 (VCV003773389.1).
Genomic context (GRCh38, chr7:55,181,475, plus strand): 5'-CCGGGAACACAAAGACAATATTGGCTCCCAGTACCTGCTCAACTGGTGTGTGCAGATCGC[A>C]AAGGTAATCAGGGAAGGGAGATACGGGGAGGGGAGATAAGGAGCCAGGATCCTCACATGC-3'
Protein context (NP_005219.2, residues 812-832): QYLLNWCVQI[Ala822=]KGMNYLEDRR

ClinVar aggregate classification (germline): Benign (1 of 4 stars; one submission).

Conditions:
Lung cancer. Also called: Lung cancer, somatic; Malignant tumor of lung. Identifiers: MedGen C0242379, MONDO:0008903, OMIM 211980.

Submission:

Myriad Genetics, Inc.
Classification: Benign for Lung cancer. Last evaluated: 2024-10-16. Review status: criteria provided, single submitter. Criteria: Myriad Autosomal Dominant, Autosomal Recessive and X-Linked Classification Criteria (2023). Collection method: clinical testing. Allele origin: unknown.
Comment: This variant is considered benign. This variant is a silent/synonymous amino acid change and it is not expected to impact splicing.